The following is an entry in ClinVar:

ClinVar aggregate classification (germline): Uncertain significance. Review status: criteria provided, multiple submitters, no conflicts (2 of 4 stars). 4 submissions from 4 submitters: Uncertain significance (3). 1 of the submissions does not count toward it. Last evaluated 2024-02-29.

Conditions:
Kostmann syndrome (SCN3). Also called: KOSTMANN DISEASE; Autosomal recessive severe congenital neutropenia type 3. Identifiers: Orphanet 99749, MedGen C5235141, MONDO:0012548, OMIM 610738.

Allele frequency attached by ClinVar (database versions not stated): ESP Exome Variant Server 0.00008; TOPMed 0.00008; gnomAD 0.00007.

Submissions (4):

ARUP Laboratories, Molecular Genetics and Genomics, ARUP Laboratories
Classification: Uncertain significance for Kostmann syndrome. Last evaluated: 2024-02-29. Review status: criteria provided, single submitter. Criteria: ARUP Molecular Germline Variant Investigation Process 2024. Collection method: clinical testing. Allele origin: germline.

Labcorp Genetics (formerly Invitae), Labcorp
Classification: Uncertain significance for Kostmann syndrome. Last evaluated: 2022-08-16. Review status: criteria provided, single submitter. Criteria: Invitae Variant Classification Sherloc (09022015). Collection method: clinical testing. Allele origin: germline.
Comment: This sequence change replaces arginine, which is basic and polar, with tryptophan, which is neutral and slightly polar, at codon 227 of the HAX1 protein (p.Arg227Trp). This variant is present in population databases (rs200890522, gnomAD 0.01%). This variant has not been reported in the literature in individuals affected with HAX1-related conditions. ClinVar contains an entry for this variant (Variation ID: 655975). Algorithms developed to predict the effect of missense changes on protein structure and function (SIFT, PolyPhen-2, Align-GVGD) all suggest that this variant is likely to be tolerated. In summary, the available evidence is currently insufficient to determine the role of this variant in disease. Therefore, it has been classified as a Variant of Uncertain Significance.

Genetic Services Laboratory, University of Chicago
Classification: Uncertain significance. Last evaluated: 2021-12-03. Review status: criteria provided, single submitter. Criteria: ACMG Guidelines, 2015. Collection method: clinical testing. Allele origin: germline. Affected: no.

Natera, Inc.
Classification: Uncertain significance for Autosomal recessive severe congenital neutropenia type 3. Last evaluated: 2020-02-05. Review status: no assertion criteria provided. Collection method: clinical testing. Allele origin: germline. Not counted in ClinVar's aggregate classification.

NM_006118.4(HAX1):c.679C>T (p.Arg227Trp)

Gene: HAX1 (HCLS1 associated protein X-1; plus strand). Cytogenetic location: 1q21.3.
Variant type: single nucleotide variant.
Coding change: c.679C>T on transcript NM_006118.4 (MANE Select); coding-DNA position 679, C replaced by T.
Protein change: p.Arg227Trp; replaces arginine 227 with tryptophan.
Molecular consequence: missense variant.
Genome position (GRCh38, 1-based): chr1:154,275,408, C>T. VCF-style: chr1-154275408-C-T. GRCh37 (hg19) VCF-style: chr1-154247884-C-T.
Other names: c.535C>T, p.Arg179Trp (NM_001018837.2); short protein forms R227W, R179W.
Identifiers: ClinVar variation 655975 (VCV000655975.11), dbSNP rs200890522, ClinGen allele CA1127438.